The following is an entry in ClinVar:

ClinVar aggregate classification (germline): Pathogenic (1 of 4 stars; one submission).

Conditions:
Peroxisome biogenesis disorder 3A (Zellweger). Also called: PEROXISOMAL BIOGENESIS DISORDER 3A (ZELLWEGER); Peroxisome biogenesis disorder 3A. Identifiers: Orphanet 912, MedGen C3553929, MONDO:0013927, OMIM 614859.

Submission:

Labcorp Genetics (formerly Invitae), Labcorp
Classification: Pathogenic for Peroxisome biogenesis disorder 3A (Zellweger). Last evaluated: 2022-06-23. Review status: criteria provided, single submitter. Criteria: Invitae Variant Classification Sherloc (09022015). Collection method: clinical testing. Allele origin: germline.
Comment: This sequence change creates a premature translational stop signal (p.Leu29*) in the PEX12 gene. It is expected to result in an absent or disrupted protein product. Loss-of-function variants in PEX12 are known to be pathogenic (PMID: 9090384, 9632816, 21031596). This variant is not present in population databases (gnomAD no frequency). This variant has not been reported in the literature in individuals affected with PEX12-related conditions. For these reasons, this variant has been classified as Pathogenic.

Literature cited by the submitters: PubMed 9090384; PubMed 9632816; PubMed 21031596.

NM_000286.3(PEX12):c.86del (p.Ser28_Leu29insTer)

Gene: PEX12 (peroxisomal biogenesis factor 12; minus strand). Cytogenetic location: 17q12.
Variant type: Deletion.
Coding change: c.86del on transcript NM_000286.3 (MANE Select); coding-DNA position 86, one base deleted (T; older notation c.86delT).
Protein change: p.Ser28_Leu29insTer.
Molecular consequence: nonsense.
Genome position (GRCh38, 1-based): chr17:35,577,936, A deleted on the plus strand (T on the coding strand, the reverse complement: PEX12 is on the minus strand); the first of 3 consecutive A bases (chr17:35,577,936-35,577,938); deleting any one gives the same sequence. VCF-style (leftmost placement, unchanged base first): chr17-35577935-TA-T. GRCh37 (hg19) VCF-style: chr17-33904954-TA-T.
Identifiers: ClinVar variation 2009633 (VCV002009633.4), dbSNP rs2509171466, ClinGen allele CA2580093623.